The following is an entry in ClinVar:

NM_001130144.3(LTBP3):c.2185G>A (p.Ala729Thr)

Genes: LTBP3 (latent transforming growth factor beta binding protein 3; minus strand), LOC130006030 (ATAC-STARR-seq lymphoblastoid silent region 3533; plus strand). Cytogenetic location: 11q13.1.
Variant type: single nucleotide variant.
Coding change: c.2185G>A on transcript NM_001130144.3 (MANE Select); coding-DNA position 2185, G replaced by A.
Protein change: p.Ala729Thr; replaces alanine 729 with threonine.
Molecular consequence: missense variant.
Genome position (GRCh38, 1-based): chr11:65,546,843, C>T on the plus strand (G>A on the coding strand, the complement: LTBP3 is on the minus strand). VCF-style: chr11-65546843-C-T. GRCh37 (hg19) VCF-style: chr11-65314314-C-T.
Other names: c.1834G>A, p.Ala612Thr (NM_001164266.1); c.2185G>A, p.Ala729Thr (NM_021070.4); short protein forms A612T, A729T.
Identifiers: ClinVar variation 2143516 (VCV002143516.4), dbSNP rs1207233682, ClinGen allele CA381269990.
Genomic context (GRCh38, chr11:65,546,843, plus strand): 5'-GGGCCCCGCCCTCACCGCGACAGGCCCCGCCCCCCTGGCTGCGGTAGCCAGGCTGACAGG[C>T]GATGCACTTGAAGCTCCCGGGCTTGTTCTCGCATTTGCCATCCGGGCAAGAGCTTGGGTC-3'
Protein context (NP_001123616.1, residues 719-739): ENKPGSFKCI[Ala729Thr]CQPGYRSQGG

ClinVar aggregate classification (germline): Uncertain significance (1 of 4 stars; one submission).

Conditions:
Brachyolmia-amelogenesis imperfecta syndrome. Also called: Tooth agenesis, selective, 6; Dental anomalies and short stature; PLATYSPONDYLY WITH AMELOGENESIS IMPERFECTA. Identifiers: Orphanet 2899, MedGen C1832594, MONDO:0011018, OMIM 601216. Disease mechanism: loss of function.

Allele frequency attached by ClinVar (database versions not stated): gnomAD exomes below 0.00001; TOPMed 0.00001.
gnomAD v4.1: 4 of 1,610,734 alleles (0.00025%); highest among the groups gnomAD compares: Non-Finnish European, 0.00034%; no homozygotes.

Submission:

Labcorp Genetics (formerly Invitae), Labcorp
Classification: Uncertain significance for Brachyolmia-amelogenesis imperfecta syndrome. Last evaluated: 2024-05-23. Review status: criteria provided, single submitter. Criteria: Invitae Variant Classification Sherloc (09022015). Collection method: clinical testing. Allele origin: germline.
Comment: This sequence change replaces alanine, which is neutral and non-polar, with threonine, which is neutral and polar, at codon 729 of the LTBP3 protein (p.Ala729Thr). This variant is not present in population databases (gnomAD no frequency). This variant has not been reported in the literature in individuals affected with LTBP3-related conditions. ClinVar contains an entry for this variant (Variation ID: 2143516). An algorithm developed to predict the effect of missense changes on protein structure and function (PolyPhen-2) suggests that this variant is likely to be tolerated. In summary, the available evidence is currently insufficient to determine the role of this variant in disease. Therefore, it has been classified as a Variant of Uncertain Significance.